The following is an entry in ClinVar:

NM_002474.3(MYH11):c.3604G>A (p.Ala1202Thr)

Gene: MYH11 (myosin heavy chain 11; minus strand). Cytogenetic location: 16p13.11.
Variant type: single nucleotide variant.
Coding change: c.3604G>A on transcript NM_002474.3 (MANE Select); coding-DNA position 3604, G replaced by A.
Protein change: p.Ala1202Thr; replaces alanine 1202 with threonine.
Molecular consequence: missense variant.
Genome position (GRCh38, 1-based): chr16:15,732,611, C>T on the plus strand (G>A on the coding strand, the complement: MYH11 is on the minus strand). VCF-style: chr16-15732611-C-T. GRCh37 (hg19) VCF-style: chr16-15826468-C-T.
Other names: p.A1202T:GCA>ACA; c.3625G>A, p.Ala1209Thr (NM_001040113.2, NM_001040114.2); c.3604G>A, p.Ala1202Thr (NM_022844.3); short protein forms A1202T, A1209T.
Identifiers: ClinVar variation 201027 (VCV000201027.27), dbSNP rs112657320, ClinGen allele CA306447.

ClinVar aggregate classification (germline): Benign/Likely benign. Review status: criteria provided, multiple submitters, no conflicts (2 of 4 stars). 8 submissions from 8 submitters: Benign (1); Likely benign (7). Last evaluated 2026-09-01.

Conditions:
Familial thoracic aortic aneurysm and aortic dissection (TAAD). Also called: Thoracic aortic aneurysms and dissections. Identifiers: Orphanet 91387, MedGen C4707243, MONDO:0019625.
Aortic aneurysm, familial thoracic 4 (AAT4). Also called: AORTIC ANEURYSM/AORTIC DISSECTION AND PATENT DUCTUS ARTERIOSUS. Identifiers: MedGen C1851504, MONDO:0007568, OMIM 132900.

Allele frequency attached by ClinVar (database versions not stated): gnomAD exomes 0.00019; ExAC 0.00030; TOPMed 0.00072; ESP Exome Variant Server 0.00077; gnomAD 0.00088 and 0.00093; 1000 Genomes Project 0.00160; 1000 Genomes Project 30x 0.00203.
gnomAD v4.1: 253 of 1,614,240 alleles (0.016%); highest among the groups gnomAD compares: African/African-American, 0.29%; 2 homozygotes.

Submissions (8):

CeGaT Center for Human Genetics Tuebingen
Classification: Likely benign. Last evaluated: 2026-09-01. Review status: criteria provided, single submitter. Criteria: CeGaT Center For Human Genetics Tuebingen Variant Classification Criteria Version 2. Collection method: clinical testing. Allele origin: germline. Affected: yes. Observed: 5 variant alleles.
Comment: MYH11: BP4, BS2

Labcorp Genetics (formerly Invitae), Labcorp
Classification: Likely benign for Aortic aneurysm, familial thoracic 4. Last evaluated: 2026-01-25. Review status: criteria provided, single submitter. Criteria: Invitae Variant Classification Sherloc (09022015). Collection method: clinical testing. Allele origin: germline.

Color Diagnostics, LLC DBA Color Health
Classification: Benign for Familial thoracic aortic aneurysm and aortic dissection. Last evaluated: 2024-09-12. Review status: criteria provided, single submitter. Criteria: ACMG Guidelines, 2015. Collection method: clinical testing. Allele origin: germline.

Blueprint Genetics
Classification: Likely benign. Last evaluated: 2024-02-15. Review status: criteria provided, single submitter. Criteria: ACMG Guidelines, 2015. Collection method: clinical testing. Allele origin: germline.

Women's Health and Genetics/Laboratory Corporation of America, LabCorp
Classification: Likely benign. Last evaluated: 2022-11-06. Review status: criteria provided, single submitter. Criteria: LabCorp Variant Classification Summary - May 2015. Collection method: clinical testing. Allele origin: germline.

GeneDx
Classification: Likely benign. Last evaluated: 2021-01-20. Review status: criteria provided, single submitter. Criteria: GeneDx Variant Classification Process June 2021. Collection method: clinical testing. Allele origin: germline. Affected: yes.

Ambry Genetics
Classification: Likely benign for Familial thoracic aortic aneurysm and aortic dissection. Last evaluated: 2017-07-10. Review status: criteria provided, single submitter. Criteria: Ambry Variant Classification Scheme 2023. Collection method: clinical testing. Allele origin: germline.

Breakthrough Genomics
Classification: Likely benign. Review status: criteria provided, single submitter. Criteria: ACMG Guidelines, 2015. Collection method: not provided. Allele origin: germline. Inheritance: Autosomal recessive inheritance. Affected: yes.